The following is an entry in ClinVar:

ClinVar aggregate classification (germline): Likely pathogenic. Review status: criteria provided, single submitter (1 of 4 stars). 2 submissions from 2 submitters: Likely pathogenic (1). 1 of the submissions does not count toward it. Last evaluated 2024-06-20.

Conditions:
Glucocorticoid deficiency 1 (GCCD1). Also called: Adrenal unresponsiveness to acth; FAMILIAL GLUCOCORTICOID DEFICIENCY 1; Glucocorticoid deficiency, due to ACTH unresponsiveness. Identifiers: Orphanet 361, MedGen C4049650, MONDO:0024536, OMIM 202200.

gnomAD v4.1: 8 of 1,613,758 alleles (0.0005%); highest among the groups gnomAD compares: Admixed American, 0.0017%; no homozygotes.

Submissions (2):

3billion
Classification: Likely pathogenic for Glucocorticoid deficiency 1. Last evaluated: 2024-06-20. Review status: criteria provided, single submitter. Criteria: ACMG Guidelines, 2015. Collection method: clinical testing. Allele origin: germline. Affected: yes.
Comment: The variant is observed at an extremely low frequency in the gnomAD v4.0.0 dataset (total allele frequency: <0.001%). Predicted Consequence/Location: Stop-gained (nonsense): predicted to result in a loss or disruption of normal protein function through protein truncation. The predicted truncated protein may be shortened by more than 10%. The variant has been reported to be associated with MC2R-related disorder (ClinVar ID: VCV000003259 /PMID: 8227361). Therefore, this variant is classified as Likely pathogenic according to the recommendation of ACMG/AMP guideline.

OMIM
Classification: Pathogenic for GLUCOCORTICOID DEFICIENCY 1. Last evaluated: 1994-07-01. Review status: no assertion criteria provided. Collection method: literature only. Allele origin: germline. Not counted in ClinVar's aggregate classification.

Literature cited by the submitters: PubMed 8227361 (cited by 3billion and OMIM); PubMed 18407210 (cited by OMIM).

NM_000529.2(MC2R):c.601C>T (p.Arg201Ter)

Gene: MC2R (melanocortin 2 receptor; minus strand). Cytogenetic location: 18p11.21.
Variant type: single nucleotide variant.
Coding change: c.601C>T on transcript NM_000529.2 (MANE Select); coding-DNA position 601, C replaced by T.
Protein change: p.Arg201Ter; replaces arginine 201 with a stop codon.
Molecular consequence: nonsense.
Genome position (GRCh38, 1-based): chr18:13,884,918, G>A on the plus strand (C>T on the coding strand, the complement: MC2R is on the minus strand). VCF-style: chr18-13884918-G-A. GRCh37 (hg19) VCF-style: chr18-13884917-G-A.
Other names: c.601C>T, p.Arg201Ter (NM_001291911.1); short protein forms R201*.
Identifiers: ClinVar variation 3259 (VCV000003259.2), dbSNP rs104894659, ClinGen allele CA116117.
Genomic context (GRCh38, chr18:13,884,918, plus strand): 5'-GTGTGATGGCCCCTTTCATGTTGGCTCTGGGGAGGGTGGAGATCTTCCTGGTGTGGGATC[G>A]AGCCAGCAGGAACATGTGCACATAGAGGCACAGGATGAAGACCAGCATCAGCGGGAACAG-3'